The following is an entry in ClinVar:

ClinVar aggregate classification (germline): Likely pathogenic (1 of 4 stars; one submission).

Conditions:
Hyperprolinemia type 2 (HYRPRO2). Also called: 1-PYRROLINE-5-CARBOXYLATE DEHYDROGENASE DEFICIENCY; Delta-1-pyrroline-5-carboxylate dehydrogenase deficiency; Deficiency of pyrroline-5-carboxylate reductase. Identifiers: Orphanet 79101, MedGen C2931835, MONDO:0009401, OMIM 239510.

gnomAD v4.1: 4 of 1,613,880 alleles (0.00025%); highest among the groups gnomAD compares: Non-Finnish European, 0.00034%; no homozygotes.

Submission:

Labcorp Genetics (formerly Invitae), Labcorp
Classification: Likely pathogenic for Hyperprolinemia type 2. Last evaluated: 2018-03-04. Review status: criteria provided, single submitter. Criteria: Invitae Variant Classification Sherloc (09022015). Collection method: clinical testing. Allele origin: germline.
Comment: In summary, the currently available evidence indicates that the variant is pathogenic, but additional data are needed to prove that conclusively. Therefore, this variant has been classified as Likely Pathogenic. Donor and acceptor splice site variants typically lead to a loss of protein function (PMID: 16199547), and loss-of-function variants in ALDH4A1 are known to be pathogenic (PMID: 9700195, 4369405, 956388). Algorithms developed to predict the effect of sequence changes on RNA splicing suggest that this variant may disrupt the consensus splice site, but this prediction has not been confirmed by published transcriptional studies. This variant has not been reported in the literature in individuals with ALDH4A1-related disease. This variant is not present in population databases (ExAC no frequency). This sequence change affects an acceptor splice site in intron 4 of the ALDH4A1 gene. It is expected to disrupt RNA splicing and likely results in an absent or disrupted protein product.

Literature cited by the submitters: PubMed 16199547; PubMed 9700195; PubMed 4369405; PubMed 956388.

NM_003748.4(ALDH4A1):c.298-1G>C

Gene: ALDH4A1 (aldehyde dehydrogenase 4 family member A1; minus strand). Cytogenetic location: 1p36.13.
Variant type: single nucleotide variant.
Coding change: c.298-1G>C on transcript NM_003748.4 (MANE Select); the canonical splice acceptor site of the intron before coding-DNA position 298, G replaced by C.
Molecular consequence: splice acceptor variant.
Genome position (GRCh38, 1-based): chr1:18,885,629, C>G on the plus strand (G>C on the coding strand, the complement: ALDH4A1 is on the minus strand). VCF-style: chr1-18885629-C-G. GRCh37 (hg19) VCF-style: chr1-19212123-C-G.
Other names: c.118-1G>C (NM_001161504.2); c.298-1G>C (NM_001319218.2, NM_170726.3).
Identifiers: ClinVar variation 571282 (VCV000571282.7), dbSNP rs1557620472, ClinGen allele CA338761435.